The following is an entry in ClinVar:

NM_001039141.3(TRIOBP):c.4294G>T (p.Glu1432Ter)

Gene: TRIOBP (TRIO and F-actin binding protein; plus strand). Cytogenetic location: 22q13.1.
Variant type: single nucleotide variant.
Coding change: c.4294G>T on transcript NM_001039141.3 (MANE Select); coding-DNA position 4294, G replaced by T.
Protein change: p.Glu1432Ter; replaces glutamic acid 1432 with a stop codon.
Molecular consequence: nonsense.
Genome position (GRCh38, 1-based): chr22:37,734,630, G>T. VCF-style: chr22-37734630-G-T. GRCh37 (hg19) VCF-style: chr22-38130637-G-T.
Other names: short protein forms E1432*.
Identifiers: ClinVar variation 2159885 (VCV002159885.4), dbSNP rs1441200320, ClinGen allele CA411490926.
Genomic context (GRCh38, chr22:37,734,630, plus strand): 5'-CCTCTGGAGAGTGGCCAAGCAGGCCCAAGACAGCCTCTGGGGGTGTGGCAGAGTCAGGAG[G>T]AACCGCCAGGGTCCCAGGGCCCTCATAGACACCTAGAAAGGAGCTGGAGCAGCCAGGAGG-3'

ClinVar aggregate classification (germline): Pathogenic (1 of 4 stars; one submission).

Allele frequency attached by ClinVar (database versions not stated): gnomAD exomes 0.00001.
gnomAD v4.1: 11 of 1,588,142 alleles (0.00069%); highest among the groups gnomAD compares: Non-Finnish European, 0.00094%; no homozygotes.

Submission:

Labcorp Genetics (formerly Invitae), Labcorp
Classification: Pathogenic. Last evaluated: 2025-09-08. Review status: criteria provided, single submitter. Criteria: Invitae Variant Classification Sherloc (09022015). Collection method: clinical testing. Allele origin: germline.
Comment: This sequence change creates a premature translational stop signal (p.Glu1432*) in the TRIOBP gene. It is expected to result in an absent or disrupted protein product. Loss-of-function variants in TRIOBP are known to be pathogenic (PMID: 16385457, 16385458, 20510926). The frequency data for this variant in the population databases is considered unreliable, as metrics indicate poor data quality at this position in the gnomAD database. This variant has not been reported in the literature in individuals affected with TRIOBP-related conditions. ClinVar contains an entry for this variant (Variation ID: 2159885). For these reasons, this variant has been classified as Pathogenic.

Literature cited by the submitters: PubMed 16385457; PubMed 16385458; PubMed 20510926.